The following is an entry in ClinVar:

ClinVar aggregate classification (germline): Uncertain significance. Review status: criteria provided, multiple submitters, no conflicts (2 of 4 stars). 3 submissions from 3 submitters: Uncertain significance (3). Last evaluated 2026-01-09.

Conditions:
Charlevoix-Saguenay spastic ataxia (SACS). Also called: SPASTIC ATAXIA 6, AUTOSOMAL RECESSIVE; Spastic ataxia of Charlevoix-Saguenay; AUTOSOMAL RECESSIVE SPASTIC ATAXIA OF CHARLEVOIX-SAGUENAY. Identifiers: Orphanet 98, MedGen C1849140, MONDO:0010041, OMIM 270550.
Hereditary spastic paraplegia. Also called: Familial spastic paraparesis. Identifiers: Orphanet 685, MedGen C0037773, MONDO:0019064. Disease mechanism: loss of function.

gnomAD v4.1: 11 of 1,613,368 alleles (0.00068%); highest among the groups gnomAD compares: Middle Eastern, 0.016%; no homozygotes.

Submissions (3):

Myriad Genetics, Inc.
Classification: Uncertain significance for Charlevoix-Saguenay spastic ataxia. Last evaluated: 2026-01-09. Review status: criteria provided, single submitter. Criteria: Myriad Autosomal Dominant, Autosomal Recessive and X-Linked Classification Criteria (2023). Collection method: clinical testing. Allele origin: unknown.
Comment: NM_014363.4(SACS):c.2225G>A(R742Q) is a missense variant classified as a variant of uncertain significance in the context of autosomal recessive spastic ataxia of Charlevoix-Saguenay. R742Q has been observed in a case with relevant disease (PMID: 34791078). Relevant functional assessments of this variant are not available in the literature. R742Q has not been observed in referenced population frequency databases. In summary, there is insufficient evidence to classify NM_014363.4(SACS):c.2225G>A(R742Q) as pathogenic or benign. Please note: this variant was assessed in the context of healthy population screening.

Fulgent Genetics
Classification: Uncertain significance for Charlevoix-Saguenay spastic ataxia. Last evaluated: 2022-01-17. Review status: criteria provided, single submitter. Criteria: ACMG Guidelines, 2015. Collection method: clinical testing. Allele origin: unknown.

Genome Diagnostics Laboratory, The Hospital for Sick Children
Classification: Uncertain significance for Hereditary spastic paraplegia. Last evaluated: 2018-08-01. Review status: criteria provided, single submitter. Criteria: ACMG Guidelines, 2015. Collection method: clinical testing. Allele origin: germline. Affected: yes.

Literature cited by the submitters: PubMed 34791078 (cited by Myriad Genetics, Inc.).

NM_014363.6(SACS):c.2225G>A (p.Arg742Gln)

Gene: SACS (sacsin molecular chaperone; minus strand). Cytogenetic location: 13q12.12.
Variant type: single nucleotide variant.
Coding change: c.2225G>A on transcript NM_014363.6 (MANE Select); coding-DNA position 2225, G replaced by A.
Protein change: p.Arg742Gln; replaces arginine 742 with glutamine.
Molecular consequence: missense variant.
Genome position (GRCh38, 1-based): chr13:23,341,651, C>T on the plus strand (G>A on the coding strand, the complement: SACS is on the minus strand). VCF-style: chr13-23341651-C-T. GRCh37 (hg19) VCF-style: chr13-23915790-C-T.
Other names: c.1784G>A, p.Arg595Gln (NM_001278055.2); short protein forms R595Q, R742Q.
Identifiers: ClinVar variation 1343982 (VCV001343982.5), dbSNP rs2137645971, ClinGen allele CA387540560.